The following is an entry in ClinVar:

NM_001182.5(ALDH7A1):c.1106A>G (p.Tyr369Cys)

Gene: ALDH7A1 (aldehyde dehydrogenase 7 family member A1; minus strand). Cytogenetic location: 5q23.2.
Variant type: single nucleotide variant.
Coding change: c.1106A>G on transcript NM_001182.5 (MANE Select); coding-DNA position 1106, A replaced by G.
Protein change: p.Tyr369Cys; replaces tyrosine 369 with cysteine.
Molecular consequence: missense variant. On other transcripts: intron variant (1).
Genome position (GRCh38, 1-based): chr5:126,554,381, T>C on the plus strand (A>G on the coding strand, the complement: ALDH7A1 is on the minus strand). VCF-style: chr5-126554381-T-C. GRCh37 (hg19) VCF-style: chr5-125890073-T-C.
Other names: c.1022A>G, p.Tyr341Cys (NM_001201377.2); c.1009-2244A>G (NM_001202404.2); short protein forms Y369C, Y341C.
Identifiers: ClinVar variation 1396016 (VCV001396016.5), dbSNP rs1210400291, ClinGen allele CA360723935.

ClinVar aggregate classification (germline): Uncertain significance (1 of 4 stars; one submission).

Conditions:
Pyridoxine-dependent epilepsy (EPEO4). Also called: Pyridoxine-Dependent Epilepsy - ALDH7A1; PYRIDOXINE DEPENDENCY WITH SEIZURES; EPILEPSY, EARLY-ONSET, 4, VITAMIN B6-DEPENDENT; Pyridoxine-Dependent Seizures. Identifiers: Orphanet 3006, MedGen C1849508, MONDO:0009945, OMIM 266100. Disease mechanism: loss of function.

Allele frequency attached by ClinVar (database versions not stated): gnomAD exomes below 0.00001; TOPMed 0.00001; gnomAD 0.00001.
gnomAD v4.1: 3 of 1,613,890 alleles (0.00019%); highest among the groups gnomAD compares: African/African-American, 0.0013%; no homozygotes.

Submission:

Labcorp Genetics (formerly Invitae), Labcorp
Classification: Uncertain significance for Pyridoxine-dependent epilepsy. Last evaluated: 2024-03-14. Review status: criteria provided, single submitter. Criteria: Invitae Variant Classification Sherloc (09022015). Collection method: clinical testing. Allele origin: germline.
Comment: This sequence change replaces tyrosine, which is neutral and polar, with cysteine, which is neutral and slightly polar, at codon 369 of the ALDH7A1 protein (p.Tyr369Cys). This variant is present in population databases (no rsID available, gnomAD 0.0009%). This variant has not been reported in the literature in individuals affected with ALDH7A1-related conditions. ClinVar contains an entry for this variant (Variation ID: 1396016). Advanced modeling of protein sequence and biophysical properties (such as structural, functional, and spatial information, amino acid conservation, physicochemical variation, residue mobility, and thermodynamic stability) has been performed at Invitae for this missense variant, however the output from this modeling did not meet the statistical confidence thresholds required to predict the impact of this variant on ALDH7A1 protein function. In summary, the available evidence is currently insufficient to determine the role of this variant in disease. Therefore, it has been classified as a Variant of Uncertain Significance.